The following is an entry in ClinVar:

ClinVar aggregate classification (germline): Conflicting classifications of pathogenicity. Review status: criteria provided, conflicting classifications (1 of 4 stars). 2 submissions from 2 submitters: Uncertain significance (1); Likely benign (1). Last evaluated 2026-08-01.

Allele frequency attached by ClinVar (database versions not stated): ExAC 0.00003; TOPMed 0.00004; gnomAD 0.00005; ESP Exome Variant Server 0.00009; gnomAD exomes 0.00009; 1000 Genomes Project 0.00026; 1000 Genomes Project 30x 0.00042.
gnomAD v4.1: 104 of 1,209,279 alleles (0.0086%); highest among the groups gnomAD compares: Non-Finnish European, 0.011%; no homozygotes.

Submissions (2):

CeGaT Center for Human Genetics Tuebingen
Classification: Likely benign. Last evaluated: 2026-08-01. Review status: criteria provided, single submitter. Criteria: CeGaT Center For Human Genetics Tuebingen Variant Classification Criteria Version 2. Collection method: clinical testing. Allele origin: germline. Affected: yes. Observed: 1 variant allele.
Comment: BCORL1: BP4, BS2

Ambry Genetics
Classification: Uncertain significance. Last evaluated: 2025-10-22. Review status: criteria provided, single submitter. Criteria: Ambry Variant Classification Scheme 2023. Collection method: clinical testing. Allele origin: germline.

NM_001379451.1(BCORL1):c.313G>A (p.Val105Met)

Gene: BCORL1 (BCL6 corepressor like 1; plus strand). Cytogenetic location: Xq26.1.
Variant type: single nucleotide variant.
Coding change: c.313G>A on transcript NM_001379451.1 (MANE Select); coding-DNA position 313, G replaced by A.
Protein change: p.Val105Met; replaces valine 105 with methionine.
Molecular consequence: missense variant.
Genome position (GRCh38, 1-based): chrX:130,013,085, G>A. VCF-style: chrX-130013085-G-A. GRCh37 (hg19) VCF-style: chrX-129147061-G-A.
Other names: c.313G>A, p.Val105Met (NM_021946.5, NM_001184772.3, NM_001379450.1); short protein forms V105M.
Identifiers: ClinVar variation 2614400 (VCV002614400.4), dbSNP rs200478600, ClinGen allele CA10514106.
Genomic context (GRCh38, chrX:130,013,085, plus strand): 5'-GGGCACAAGTCAGAAGACAAGCCTGACGATCCCCAGCCAAAAATGGACTACGCTGGGAAC[G>A]TGGCAGAGGCTGAGGGCCTCTTGGTGCCCCTGAGCAGCCCAGGAGACGGGCTCAAGCTTC-3'
Protein context (NP_001366380.1, residues 95-115): PQPKMDYAGN[Val105Met]AEAEGLLVPL